The following is an entry in ClinVar:

NM_012434.5(SLC17A5):c.244_246delinsCA (p.Ala82fs)

Gene: SLC17A5 (solute carrier family 17 member 5; minus strand). Cytogenetic location: 6q13.
Variant type: Indel.
Coding change: c.244_246delinsCA on transcript NM_012434.5 (MANE Select); coding-DNA positions 244 to 246, GCG replaced by CA.
Protein change: p.Ala82fs; shifts the reading frame from alanine 82.
Molecular consequence: frameshift variant. On other transcripts: intron variant (2).
Genome position (GRCh38, 1-based): chr6:73,644,452-73,644,454, CGC replaced by TG on the plus strand (GCG replaced by CA on the coding strand, the reverse complement: SLC17A5 is on the minus strand). VCF-style: chr6-73644452-CGC-TG. GRCh37 (hg19) VCF-style: chr6-74354175-CGC-TG.
Other names: c.61-2530_61-2528delinsCA (NM_001382636.1, NM_001382629.1); c.244_246delinsCA, p.Ala82fs (NM_001382630.1, NM_001382632.1, NM_001382633.1 and 2 more transcripts); c.265_267delinsCA, p.Ala89fs (NM_001382631.1); short protein forms A82fs, A89fs.
Identifiers: ClinVar variation 5014546 (VCV005014546.1).
Genomic context (GRCh38, chr6:73,644,452, plus strand): 5'-AAAAATAGCACCTACCGTTTGATTATGATGAACTTTTATGGGAGCAGAATGCTCTGGACA[CGC>TG]CTTGGAAGTTCTATTATCTTCTAAAGTTGTATTTGAATCTACCATATCCACTAACGCAAC-3'

ClinVar aggregate classification (germline): Pathogenic (1 of 4 stars; one submission).

Conditions:
Sialic acid storage disease, severe infantile type (ISSD). Also called: INFANTILE SIALIC ACID STORAGE DISORDER; N-ACETYLNEURAMINIC ACID STORAGE DISEASE; NANA STORAGE DISEASE; SIALURIA, INFANTILE FORM; Infantile Sialic Acid Storage Disease; Free sialic acid storage disease, infantile form. Identifiers: Orphanet 309324, Orphanet 834, MedGen C1096902, MONDO:0010027, OMIM 269920.

Submission:

Myriad Genetics, Inc.
Classification: Pathogenic for Sialic acid storage disease, severe infantile type. Last evaluated: 2025-06-01. Review status: criteria provided, single submitter. Criteria: Myriad Autosomal Dominant, Autosomal Recessive and X-Linked Classification Criteria (2023). Collection method: clinical testing. Allele origin: unknown.
Comment: NM_012434.4(SLC17A5):c.244_246delGCGinsCA(A82Hfs*9) is expected to be pathogenic in the context of free sialic acid storage disorders. This variant is predicted to lead to an abnormal or absent protein product due to the creation of a premature termination codon in SLC17A5, a gene where loss-of-function variants are known to be pathogenic. Please note: this variant was assessed in the context of healthy population screening.